The following is an entry in ClinVar:

NM_020806.5(GPHN):c.202-3C>G

Gene: GPHN (gephyrin; plus strand). Cytogenetic location: 14q23.3.
Variant type: single nucleotide variant.
Coding change: c.202-3C>G on transcript NM_020806.5 (MANE Select); 3 bases into the intron before coding-DNA position 202, C replaced by G.
Molecular consequence: intron variant.
Genome position (GRCh38, 1-based): chr14:66,824,471, C>G. VCF-style: chr14-66824471-C-G. GRCh37 (hg19) VCF-style: chr14-67291189-C-G.
Other names: c.202-3C>G (NM_001377514.1, NM_001377519.1, NM_001377515.1 and 4 more transcripts).
Identifiers: ClinVar variation 2810770 (VCV002810770.3), dbSNP rs2549283828, ClinGen allele CA2739279702.
Genomic context (GRCh38, chr14:66,824,471, plus strand): 5'-TGGGATGTTTTGAGCAAGCAGGCAAATTTTTCTGCACATGACTATACTATTGTTTTCTTT[C>G]AGGAAACCCTGATAGATTGGTGTGATGAAAAGGAACTTAATTTGATATTAACAACTGGAG-3'

ClinVar aggregate classification (germline): Uncertain significance (1 of 4 stars; one submission).

Conditions:
Sulfite oxidase deficiency due to molybdenum cofactor deficiency type C. Also called: Molybdenum cofactor deficiency, complementation group C; Molybdenum cofactor deficiency C. Identifiers: Orphanet 308400, Orphanet 833, MedGen C1854990, MONDO:0014212, OMIM 615501.

Submission:

Labcorp Genetics (formerly Invitae), Labcorp
Classification: Uncertain significance for Sulfite oxidase deficiency due to molybdenum cofactor deficiency type C. Last evaluated: 2022-10-30. Review status: criteria provided, single submitter. Criteria: Invitae Variant Classification Sherloc (09022015). Collection method: clinical testing. Allele origin: germline.
Comment: In summary, the available evidence is currently insufficient to determine the role of this variant in disease. Therefore, it has been classified as a Variant of Uncertain Significance. Variants that disrupt the consensus splice site are a relatively common cause of aberrant splicing (PMID: 17576681, 9536098). Algorithms developed to predict the effect of sequence changes on RNA splicing suggest that this variant may disrupt the consensus splice site. This variant has not been reported in the literature in individuals affected with GPHN-related conditions. This variant is not present in population databases (gnomAD no frequency). This sequence change falls in intron 3 of the GPHN gene. It does not directly change the encoded amino acid sequence of the GPHN protein. It affects a nucleotide within the consensus splice site.

Literature cited by the submitters: PubMed 17576681; PubMed 9536098.